The following is an entry in ClinVar:

ClinVar aggregate classification (germline): Likely benign. Review status: criteria provided, multiple submitters, no conflicts (2 of 4 stars). 2 submissions from 2 submitters: Likely benign (2). Last evaluated 2025-03-27.

Allele frequency attached by ClinVar (database versions not stated): gnomAD 0.00001; gnomAD exomes 0.00001; TOPMed 0.00002.
gnomAD v4.1: 11 of 1,598,120 alleles (0.00069%); highest among the groups gnomAD compares: South Asian, 0.0022%; no homozygotes.

Submissions (2):

Labcorp Genetics (formerly Invitae), Labcorp
Classification: Likely benign. Last evaluated: 2025-03-27. Review status: criteria provided, single submitter. Criteria: Invitae Variant Classification Sherloc (09022015). Collection method: clinical testing. Allele origin: germline.

CeGaT Center for Human Genetics Tuebingen
Classification: Likely benign. Last evaluated: 2024-10-01. Review status: criteria provided, single submitter. Criteria: CeGaT Center For Human Genetics Tuebingen Variant Classification Criteria Version 2. Collection method: clinical testing. Allele origin: germline. Affected: yes. Observed: 3 variant alleles.
Comment: SZT2: BP4, BP7

NM_001365999.1(SZT2):c.789G>A (p.Thr263=)

Gene: SZT2 (SZT2 subunit of KICSTOR complex; plus strand). Cytogenetic location: 1p34.2.
Variant type: single nucleotide variant.
Coding change: c.789G>A on transcript NM_001365999.1 (MANE Select); coding-DNA position 789, G replaced by A.
Protein change: p.Thr263=; no amino-acid change (threonine 263 retained).
Molecular consequence: synonymous variant.
Genome position (GRCh38, 1-based): chr1:43,416,551, G>A. VCF-style: chr1-43416551-G-A. GRCh37 (hg19) VCF-style: chr1-43882222-G-A.
Other names: c.789G>A, p.Thr263= (NM_015284.4).
Identifiers: ClinVar variation 2578574 (VCV002578574.27), dbSNP rs1371050059, ClinGen allele CA417434375.
Genomic context (GRCh38, chr1:43,416,551, plus strand): 5'-TCTGGCCAGTGTCTCCAGGTCTGATCTGGTGTTTCCTGCTCCAGGGATTATCGTGATCAC[G>A]GATGGGGTGACCAGTGTACCTGATGTTGCTGTCTGTGAGACACTGCTGAACCAGCTTCGC-3'
Protein context (NP_001352928.1, residues 253-273): SNSSAGIIVI[Thr263=]DGVTSVPDVA